The following is an entry in ClinVar:

ClinVar aggregate classification (germline): Likely pathogenic (1 of 4 stars; one submission).

Conditions:
Sialuria. Also called: Sialic Acid Storage Disease; SIALURIA, FRENCH TYPE. Identifiers: Orphanet 3166, MedGen C0342853, MONDO:0010028, OMIM 269921.
GNE myopathy (NM). Also called: IBM 2; Inclusion body myopathy autosomal recessive; Inclusion body myopathy quadriceps sparing; MYOPATHY, DISTAL, WITH OR WITHOUT RIMMED VACUOLES; NONAKA DISTAL MYOPATHY; INCLUSION BODY MYOPATHY, HEREDITARY, AUTOSOMAL RECESSIVE. Identifiers: Orphanet 602, MedGen C1853926, MONDO:0011603, OMIM 605820.

Submission:

Labcorp Genetics (formerly Invitae), Labcorp
Classification: Likely pathogenic for Sialuria; GNE myopathy. Last evaluated: 2022-10-24. Review status: criteria provided, single submitter. Criteria: Invitae Variant Classification Sherloc (09022015). Collection method: clinical testing. Allele origin: germline.
Comment: This variant results in a copy number gain of the genomic region encompassing exon(s) 4-6 of the GNE gene. While the exact position of this variant cannot be determined from the data, sub-genic copy number gains are generally in tandem (PMID: 25640679). This variant is predicted to be out-of-frame, and may result in an absent or disrupted protein product. Loss-of-function variants in GNE are known to be pathogenic (PMID: 24027297). This variant has not been reported in the literature in individuals affected with GNE-related conditions. In summary, the currently available evidence indicates that the variant is pathogenic, but additional data are needed to prove that conclusively. Therefore, this variant has been classified as Likely Pathogenic.

Literature cited by the submitters: PubMed 25640679; PubMed 24027297.

NC_000009.11:g.(?_36229008)_(36236991_?)dup

Gene: GNE (glucosamine (UDP-N-acetyl)-2-epimerase/N-acetylmannosamine kinase; minus strand). Cytogenetic location: 9p13.3.
Variant type: Duplication.
Identifiers: ClinVar variation 2423770 (VCV002423770.3).